The following is an entry in ClinVar:

ClinVar aggregate classification (germline): Conflicting classifications of pathogenicity. Review status: criteria provided, conflicting classifications (1 of 4 stars). 16 submissions from 16 submitters: Uncertain significance (14); Likely benign (1). 1 of the submissions does not count toward it. Last evaluated 2026-09-15.

Conditions:
PMS2-related disorder. Also called: PMS2-related condition.
Hereditary nonpolyposis colorectal neoplasms. Identifiers: MedGen C0009405, MeSH D003123.
Breast and/or ovarian cancer. Identifiers: MedGen CN221562.
Hereditary cancer-predisposing syndrome. Also called: Tumor predisposition; Neoplastic Syndromes, Hereditary; Hereditary Cancer Syndrome; Hereditary neoplastic syndrome. Identifiers: Orphanet 140162, MedGen C0027672, MeSH D009386, MONDO:0015356.
Lynch syndrome. Identifiers: Orphanet 144, MedGen C4552100, MONDO:0005835. Disease mechanism: loss of function.
Lynch syndrome 4 (LYNCH4). Also called: Hereditary non-polyposis colorectal cancer, type 4; Colorectal cancer, hereditary nonpolyposis, type 4. Identifiers: Orphanet 144, MedGen C1838333, MONDO:0013699, OMIM 614337. Disease mechanism: loss of function.

Allele frequency attached by ClinVar (database versions not stated): ExAC 0.00001; gnomAD exomes 0.00002 and 0.00003; TOPMed 0.00002; gnomAD 0.00004 and 0.00005.
gnomAD v4.1: 45 of 1,603,236 alleles (0.0028%); highest among the groups gnomAD compares: African/African-American, 0.0054%; no homozygotes.

Submissions (16):

PreventionGenetics, part of Exact Sciences
Classification: Uncertain significance for PMS2-related condition. Last evaluated: 2026-09-15. Review status: criteria provided, single submitter. Criteria: ACMG Guidelines, 2015. Collection method: clinical testing. Allele origin: germline.
Comment: The PMS2 c.197T>C variant is predicted to result in the amino acid substitution p.Ile66Thr. This variant has been reported in one individual with Lynch syndrome-related tumors; however microsatellite analysis of a tumor sample indicated mismatch repair proficiency (van der Klift et al. 2016. PubMed ID: 27435373). This variant is reported in 0.0050% of alleles in individuals of East Asian descent in gnomAD and is listed as a variant of uncertain significance in the ClinVar database (Variation ID: 185939). At this time, the clinical significance of this variant is uncertain due to the absence of conclusive functional and genetic evidence.

Labcorp Genetics (formerly Invitae), Labcorp
Classification: Likely benign for Hereditary nonpolyposis colorectal neoplasms. Last evaluated: 2025-12-17. Review status: criteria provided, single submitter. Criteria: Invitae Variant Classification Sherloc (09022015). Collection method: clinical testing. Allele origin: germline.

Helix
Classification: Uncertain significance for Lynch syndrome 4. Last evaluated: 2025-07-01. Review status: criteria provided, single submitter. Criteria: ACMG Guidelines, 2015. Collection method: clinical testing. Allele origin: germline. Inheritance: Autosomal dominant inheritance.
Comment: This variant (NM_000535.7:c.197T>C p.Ile66Thr) results in the substitution of isoleucine with threonine at codon 66 in the PMS2 protein. It is present in the gnomAD population database (v4.1) at the highest allele frequency in the African/African American subpopulation among non-founder subpopulations (4/74662 alleles, 0.0054%). This variant has been observed in individual(s) with a personal and/or family history of PMS2-related conditions (PMID: 27435373, 34172528). Functional studies assessing protein function are either insufficient or inconclusive (PMID: 27435373). In silico prediction from the HCI Database of Prior Probabilities of Pathogenicity suggests that this variant may be deleterious. This variant is present in ClinVar (VCV000185939.64). In conclusion, the clinical significance of this variant is unclear at this time. Therefore, it is classified as a Variant of Uncertain Significance.

All of Us Research Program, National Institutes of Health
Classification: Uncertain significance for Lynch syndrome. Last evaluated: 2024-07-29. Review status: criteria provided, single submitter. Criteria: ACMG Guidelines, 2015. Collection method: clinical testing. Allele origin: germline. Inheritance: Autosomal dominant inheritance. Observed: 8 variant alleles, 8 heterozygotes.
Comment: This missense variant replaces isoleucine with threonine at codon 66 of the PMS2 protein. Computational prediction tools and conservation analyses suggest that this variant may have deleterious impact on the protein function. This variant has been reported in individuals affected with colorectal cancer (PMID: 27435373, 34172528). A functional study showed that the variant protein had intermediate activity in an in vitro mismatch repair assay (PMID: 27435373). This variant has been identified in 6/282110 chromosomes in the general population by the Genome Aggregation Database (gnomAD) and has been reported in healthy individuals (PMID: 32980694). Available evidence is insufficient to determine the role of this variant in disease conclusively. Therefore, this variant is classified as a Variant of Uncertain Significance.

This study involves interpretation of variants in research participants for the purpose of population health screening. Participant phenotype was not available at the time of variant classification. Additional details can be found in publication PMID: 35346344, PMCID: PMC8962531

Color Diagnostics, LLC DBA Color Health
Classification: Uncertain significance for Hereditary cancer-predisposing syndrome. Last evaluated: 2024-07-02. Review status: criteria provided, single submitter. Criteria: ACMG Guidelines, 2015. Collection method: clinical testing. Allele origin: germline.
Comment: This missense variant replaces isoleucine with threonine at codon 66 of the PMS2 protein. Computational prediction tools and conservation analyses suggest that this variant may have deleterious impact on the protein function. A functional study showed that the variant protein had intermediate activity in an in vitro mismatch repair assay (PMID: 27435373). This variant has been reported in individuals affected with colorectal cancer (PMID: 27435373, 34172528). This variant has been identified in 6/282110 chromosomes in the general population by the Genome Aggregation Database (gnomAD) and has been reported in healthy individuals (PMID: 32980694). Available evidence is insufficient to determine the role of this variant in disease conclusively. Therefore, this variant is classified as a Variant of Uncertain Significance.

Blueprint Genetics
Classification: Uncertain significance. Last evaluated: 2024-06-27. Review status: criteria provided, single submitter. Criteria: ACMG Guidelines, 2015. Collection method: clinical testing. Allele origin: germline.

GeneDx
Classification: Uncertain significance. Last evaluated: 2024-03-29. Review status: criteria provided, single submitter. Criteria: GeneDx Variant Classification Process June 2021. Collection method: clinical testing. Allele origin: germline. Affected: yes.
Comment: Demonstrated to have proficient mismatch repair efficiency in an in vitro assay (PMID: 27435373); In silico analysis supports that this missense variant has a deleterious effect on protein structure/function; This variant is associated with the following publications: (PMID: 34172528, 11574484, 36243179, 27435373, 32980694)

Baylor Genetics
Classification: Uncertain significance for Lynch syndrome 4. Last evaluated: 2024-03-25. Review status: criteria provided, single submitter. Criteria: ACMG Guidelines, 2015. Collection method: clinical testing. Allele origin: unknown.

Ambry Genetics
Classification: Uncertain significance for Hereditary cancer-predisposing syndrome. Last evaluated: 2024-02-06. Review status: criteria provided, single submitter. Criteria: Ambry Variant Classification Scheme 2023. Collection method: clinical testing. Allele origin: germline.
Comment: The p.I66T variant (also known as c.197T>C), located in coding exon 3 of the PMS2 gene, results from a T to C substitution at nucleotide position 197. The isoleucine at codon 66 is replaced by threonine, an amino acid with similar properties. This amino acid position is not well conserved in available vertebrate species. In addition, this alteration is predicted to be deleterious by in silico analysis. Since supporting evidence is limited at this time, the clinical significance of this alteration remains unclear.

Quest Diagnostics Nichols Institute San Juan Capistrano
Classification: Uncertain significance. Last evaluated: 2024-02-02. Review status: criteria provided, single submitter. Criteria: Quest Diagnostics criteria. Collection method: clinical testing. Allele origin: unknown.
Comment: The PMS2 c.197T>C (p.Ile66Thr) variant has been reported in the published literature in individuals with colorectal cancer (PMID: 27435373 (2016)), breast cancer (PMID: 33471991 (2021)), and an undisclosed cancer type (PMID: 31391288 (2020)). Additionally, this variant has been identified in reportedly healthy individuals (PMID: 33471991 (2021);, 36243179 (2022)). An in vitro analysis of this variant showed partially decreased PMS2 mismatch repair binding (PMID: 27435373 (2016)). The frequency of this variant in the general population, 0.000023 (3/128716 chromosomes (Genome Aggregation Database)), is uninformative in the assessment of its pathogenicity. Analysis of this variant using bioinformatics tools for the prediction of the effect of amino acid changes on protein structure and function yielded predictions that this variant is damaging. Based on the available information, we are unable to determine the clinical significance of this variant.

CeGaT Center for Human Genetics Tuebingen
Classification: Uncertain significance. Last evaluated: 2023-06-01. Review status: criteria provided, single submitter. Criteria: CeGaT Center For Human Genetics Tuebingen Variant Classification Criteria Version 2. Collection method: clinical testing. Allele origin: germline. Affected: yes. Observed: 3 variant alleles.
Comment: PMS2: PM2, PS3:Supporting, BP1

Myriad Genetics, Inc.
Classification: Uncertain significance for Lynch syndrome 4. Last evaluated: 2023-04-04. Review status: criteria provided, single submitter. Criteria: Myriad Autosomal Dominant, Autosomal Recessive and X-Linked Classification Criteria (2023). Collection method: clinical testing. Allele origin: unknown.
Comment: This variant is classified as a variant of uncertain significance as there is insufficient evidence to determine its impact on protein function and/or cancer risk.

St. Jude Molecular Pathology, St. Jude Children's Research Hospital
Classification: Uncertain significance for Lynch syndrome 4. Last evaluated: 2022-07-21. Review status: criteria provided, single submitter. Criteria: St. Jude Assertion Criteria 2020. Collection method: clinical testing. Allele origin: germline.
Comment: The PMS2 c.197T>C (p.Ile66Thr) missense change has a maximum subpopulation frequency of 0.005% in gnomAD v2.1.1. The in silico tool REVEL predicts a deleterious effect on protein function and a functional study investigating mismatch repair proficiency demonstrated that this variant has intermediate relative repair efficiency compared to the wild-type (PMID: 27435373). This variant has been reported in an individual with colorectal cancer whose tumor showed weak PMS2 staining on immunohistochemistry and did not show microsatellite instability (PMID: 27435373). In summary, the evidence currently available is insufficient to determine the clinical significance of this variant. It has therefore been classified as of uncertain significance.

Clinical Genetics Laboratory, Skane University Hospital Lund
Classification: Uncertain significance. Last evaluated: 2022-06-09. Review status: criteria provided, single submitter. Criteria: ACMG Guidelines, 2015. Collection method: clinical testing. Allele origin: germline. Affected: yes.

CHEO Genetics Diagnostic Laboratory, Children's Hospital of Eastern Ontario
Classification: Uncertain significance for Breast and/or ovarian cancer. Last evaluated: 2022-01-21. Review status: criteria provided, single submitter. Criteria: ACMG Guidelines, 2015. Collection method: clinical testing. Allele origin: germline.

Counsyl
Classification: Uncertain significance for Lynch syndrome 4. Last evaluated: 2017-02-06. Review status: no assertion criteria provided. Collection method: clinical testing. Allele origin: unknown. Not counted in ClinVar's aggregate classification.

Literature cited by the submitters: PubMed 27435373 (cited by 5 submitters); PubMed 32980694 (cited by All of Us Research Program, National Institutes of Health and Color Diagnostics, LLC DBA Color Health); PubMed 34172528 (cited by All of Us Research Program, National Institutes of Health and Color Diagnostics, LLC DBA Color Health); PubMed 36243179 (cited by Quest Diagnostics Nichols Institute San Juan Capistrano); PubMed 33471991 (cited by Quest Diagnostics Nichols Institute San Juan Capistrano); PubMed 31391288 (cited by Quest Diagnostics Nichols Institute San Juan Capistrano).

NM_000535.7(PMS2):c.197T>C (p.Ile66Thr)

Gene: PMS2 (PMS1 homolog 2, mismatch repair system component; minus strand). Cytogenetic location: 7p22.1.
Variant type: single nucleotide variant.
Coding change: c.197T>C on transcript NM_000535.7 (MANE Select); coding-DNA position 197, T replaced by C.
Protein change: p.Ile66Thr; replaces isoleucine 66 with threonine.
Molecular consequence: missense variant. On other transcripts: 5 prime UTR variant (11), non-coding transcript variant (1).
Genome position (GRCh38, 1-based): chr7:6,004,025, A>G on the plus strand (T>C on the coding strand, the complement: PMS2 is on the minus strand). VCF-style: chr7-6004025-A-G. GRCh37 (hg19) VCF-style: chr7-6043656-A-G.
Other names: c.-209T>C (NM_001322003.2, NM_001322004.2, NM_001322005.2 and 3 more transcripts); c.197T>C, p.Ile66Thr (NM_001322006.2, NM_001322014.2); c.-19T>C (NM_001322007.2, NM_001322008.2); c.-688T>C (NM_001322011.2, NM_001322012.2); c.-288T>C (NM_001322015.2); short protein forms I66T.
Identifiers: ClinVar variation 185939 (VCV000185939.77), dbSNP rs769554577, ClinGen allele CA010578.